The following is an entry in ClinVar:

ClinVar aggregate classification (germline): Uncertain significance. Review status: criteria provided, multiple submitters, no conflicts (2 of 4 stars). 3 submissions from 3 submitters: Uncertain significance (3). Last evaluated 2022-07-11.

Conditions:
Myopathy. Identifiers: MedGen C0026848, MeSH D009135, MONDO:0005336, HP:0003198.
Muscular dystrophy-dystroglycanopathy (congenital with brain and eye anomalies), type A9. Also called: WALKER-WARBURG SYNDROME OR MUSCLE-EYE BRAIN DISEASE, DAG1-RELATED; Muscular dystrophy-dystroglycanopathy (congenital with brain and eye anomalies), type a, 9. Identifiers: Orphanet 370997, Orphanet 899, MedGen C4225291, MONDO:0014683, OMIM 616538.
Autosomal recessive limb-girdle muscular dystrophy type 2P. Also called: MUSCULAR DYSTROPHY-DYSTROGLYCANOPATHY, LIMB-GIRDLE, DAG1-RELATED; Limb-Girdle Muscular Dystrophy Type 9C; MUSCULAR DYSTROPHY, LIMB-GIRDLE, TYPE 2P. Identifiers: Orphanet 280333, MedGen C4511963, MONDO:0013440, OMIM 613818.

Allele frequency attached by ClinVar (database versions not stated): gnomAD 0.00001; TOPMed 0.00001.

Submissions (3):

Labcorp Genetics (formerly Invitae), Labcorp
Classification: Uncertain significance for Autosomal recessive limb-girdle muscular dystrophy type 2P; Muscular dystrophy-dystroglycanopathy (congenital with brain and eye anomalies), type A9. Last evaluated: 2022-07-11. Review status: criteria provided, single submitter. Criteria: Invitae Variant Classification Sherloc (09022015). Collection method: clinical testing. Allele origin: germline.
Comment: This sequence change replaces arginine, which is basic and polar, with glutamine, which is neutral and polar, at codon 311 of the DAG1 protein (p.Arg311Gln). The frequency data for this variant in the population databases is considered unreliable, as metrics indicate poor data quality at this position in the gnomAD database. This variant has not been reported in the literature in individuals affected with DAG1-related conditions. ClinVar contains an entry for this variant (Variation ID: 374069). Algorithms developed to predict the effect of missense changes on protein structure and function are either unavailable or do not agree on the potential impact of this missense change (SIFT: "Tolerated"; PolyPhen-2: "Probably Damaging"; Align-GVGD: "Class C0"). Algorithms developed to predict the effect of sequence changes on RNA splicing suggest that this variant may create or strengthen a splice site. In summary, the available evidence is currently insufficient to determine the role of this variant in disease. Therefore, it has been classified as a Variant of Uncertain Significance.

Revvity Omics, Revvity
Classification: Uncertain significance. Last evaluated: 2022-05-12. Review status: criteria provided, single submitter. Criteria: ACMG Guidelines, 2015. Collection method: clinical testing. Allele origin: germline.

Centre for Mendelian Genomics, University Medical Centre Ljubljana
Classification: Uncertain significance for Myopathy. Last evaluated: 2015-03-31. Review status: criteria provided, single submitter. Criteria: ACMG Guidelines, 2015. Collection method: clinical testing. Allele origin: unknown. Affected: yes.

NM_004393.6(DAG1):c.932G>A (p.Arg311Gln)

Gene: DAG1 (dystroglycan 1; plus strand). Cytogenetic location: 3p21.31.
Variant type: single nucleotide variant.
Coding change: c.932G>A on transcript NM_004393.6 (MANE Select); coding-DNA position 932, G replaced by A.
Protein change: p.Arg311Gln; replaces arginine 311 with glutamine.
Molecular consequence: missense variant.
Genome position (GRCh38, 1-based): chr3:49,531,443, G>A. VCF-style: chr3-49531443-G-A. GRCh37 (hg19) VCF-style: chr3-49568876-G-A.
Other names: c.932G>A, p.Arg311Gln (NM_001165928.4, NM_001177634.3, NM_001177635.3 and 9 more transcripts); short protein forms R311Q.
Identifiers: ClinVar variation 374069 (VCV000374069.8), dbSNP rs752813826, ClinGen allele CA2398987.
Genomic context (GRCh38, chr3:49,531,443, plus strand): 5'-GCTACCCTGTGGTGGGTTGGCACATCGCCAATAAGAAGCCCCCTCTTCCCAAACGCGTCC[G>A]GAGGCAGATCCATGCTACACCCACACCTGTCACTGCCATTGGGCCCCCAACCACGGCTAT-3'
Protein context (NP_004384.5, residues 301-321): NKKPPLPKRV[Arg311Gln]RQIHATPTPV